The following is an entry in ClinVar:

NC_000003.12:g.169764765G>A

Genes: TERC (telomerase RNA component; minus strand), LOC110806306 (telomerase RNA component (TERC) promoter; plus strand). Cytogenetic location: 3q26.2.
Variant type: single nucleotide variant.
Genome position: GRCh38 VCF-style: chr3-169764765-G-A. GRCh37 (hg19) VCF-style: chr3-169482553-G-A.
Identifiers: ClinVar variation 2737080 (VCV002737080.3), dbSNP rs2108182940, ClinGen allele CA436715124.

ClinVar aggregate classification (germline): Uncertain significance (1 of 4 stars; one submission).

Conditions:
Dyskeratosis congenita, autosomal dominant 1 (DKCA1). Also called: Dyskeratosis congenita Scoggins type. Identifiers: Orphanet 1775, MedGen C4551974, MONDO:0007485, OMIM 127550. Inheritance: Variable.

Allele frequency attached by ClinVar (database versions not stated): gnomAD exomes below 0.00001.
gnomAD v4.1: 1 of 744,778 alleles (0.00013%); highest among the groups gnomAD compares: Middle Eastern, 0.024%; no homozygotes.

Submission:

Labcorp Genetics (formerly Invitae), Labcorp
Classification: Uncertain significance for Dyskeratosis congenita, autosomal dominant 1. Last evaluated: 2023-07-07. Review status: criteria provided, single submitter. Criteria: Invitae Variant Classification Sherloc (09022015). Collection method: clinical testing. Allele origin: germline.
Comment: This variant occurs in the TERC gene, which encodes an RNA molecule that does not result in a protein product. This variant is not present in population databases (gnomAD no frequency). This variant has not been reported in the literature in individuals affected with TERC-related conditions. Experimental studies and prediction algorithms are not available or were not evaluated, and the functional significance of this variant is currently unknown. This variant is located within the conserved regions 4 and 5 (CR4-CR5) domain of the TERC RNA component, which is required for telomerase activity (PMID: 15082312, 21844345). In summary, the available evidence is currently insufficient to determine the role of this variant in disease. Therefore, it has been classified as a Variant of Uncertain Significance.

Literature cited by the submitters: PubMed 15082312; PubMed 21844345.